The following is an entry in ClinVar:

ClinVar aggregate classification (germline): Uncertain significance. Review status: criteria provided, multiple submitters, no conflicts (2 of 4 stars). 2 submissions from 2 submitters: Uncertain significance (2). Last evaluated 2025-08-14.

Conditions:
OTOGL-related disorder. Also called: OTOGL-related condition.
Inborn genetic diseases. Identifiers: MedGen C0950123, MeSH D030342.

gnomAD v4.1: 4 of 1,598,816 alleles (0.00025%); highest among the groups gnomAD compares: South Asian, 0.0011%; no homozygotes.

Submissions (2):

Ambry Genetics
Classification: Uncertain significance for Inborn genetic diseases. Last evaluated: 2025-08-14. Review status: criteria provided, single submitter. Criteria: Ambry Variant Classification Scheme 2023. Collection method: clinical testing. Allele origin: germline.

PreventionGenetics, part of Exact Sciences
Classification: Uncertain significance for OTOGL-related condition. Last evaluated: 2025-02-14. Review status: criteria provided, single submitter. Criteria: ACMG Guidelines, 2015. Collection method: clinical testing. Allele origin: germline.
Comment: The OTOGL c.4532A>G variant is predicted to result in the amino acid substitution p.Gln1511Arg. To our knowledge, this variant has not been reported in the literature or in a large population database (gnomAD), indicating this variant is rare. At this time, the clinical significance of this variant is uncertain due to the absence of conclusive functional and genetic evidence.

NM_001378609.3(OTOGL):c.4559A>G (p.Gln1520Arg)

Gene: OTOGL (otogelin like; plus strand). Cytogenetic location: 12q21.31.
Variant type: single nucleotide variant.
Coding change: c.4559A>G on transcript NM_001378609.3 (MANE Select); coding-DNA position 4559, A replaced by G.
Protein change: p.Gln1520Arg; replaces glutamine 1520 with arginine.
Molecular consequence: missense variant.
Genome position (GRCh38, 1-based): chr12:80,336,099, A>G. VCF-style: chr12-80336099-A-G. GRCh37 (hg19) VCF-style: chr12-80729879-A-G.
Other names: c.4424A>G, p.Gln1475Arg (NM_001368062.3); c.4559A>G, p.Gln1520Arg (NM_001378610.3, NM_173591.7); short protein forms Q1475R, Q1520R.
Identifiers: ClinVar variation 4129282 (VCV004129282.2).